The following is an entry in ClinVar:

ClinVar aggregate classification (germline): Likely pathogenic (1 of 4 stars; one submission).

Conditions:
Long chain 3-hydroxyacyl-CoA dehydrogenase deficiency. Also called: Deficiency of long-chain 3-hydroxyacyl-coenzyme A dehydrogenase; LCHAD Deficiency. Identifiers: Orphanet 5, MedGen C3711645, MONDO:0012173, OMIM 609016.

Submission:

Natera, Inc.
Classification: Likely pathogenic for Deficiency of long-chain 3-hydroxyacyl-coenzyme A dehydrogenase. Last evaluated: 2024-05-16. Review status: criteria provided, single submitter. Criteria: Natera Variant Classification Schema (03/2026). Collection method: clinical testing. Allele origin: germline.
Comment: The c.811dup variant in HADHA is a frameshift variant predicted to shift the reading frame beginning at codon 271 and leads to a stop codon 25 codons downstream. This variant is expected to result in nonsense mediated decay, truncation, or a dysfunctional protein product. This variant is rare in the general population with a frequency below the threshold expected for the associated phenotype(s). Given the available evidence, this variant is classified as Likely Pathogenic.

NM_000182.5(HADHA):c.811dup (p.Tyr271fs)

Gene: HADHA (hydroxyacyl-CoA dehydrogenase trifunctional multienzyme complex subunit alpha; minus strand). Cytogenetic location: 2p23.3.
Variant type: Duplication.
Coding change: c.811dup on transcript NM_000182.5 (MANE Select); coding-DNA position 811, one base duplicated (T; older notation c.811dupT).
Protein change: p.Tyr271fs; shifts the reading frame from tyrosine 271.
Molecular consequence: frameshift variant.
Genome position (GRCh38, 1-based): chr2:26,214,550, A duplicated on the plus strand (T on the coding strand, the reverse complement: HADHA is on the minus strand). VCF-style (leftmost placement, unchanged base first): chr2-26214549-T-TA. GRCh37 (hg19) VCF-style: chr2-26437418-T-TA.
Other names: short protein forms Y271fs.
Identifiers: ClinVar variation 4817877 (VCV004817877.1).